The following is an entry in ClinVar:

ClinVar aggregate classification (germline): Uncertain significance (1 of 4 stars; one submission).

gnomAD v4.1: 1 of 1,612,488 alleles (0.000062%); highest among the groups gnomAD compares: Non-Finnish European, 0.000085%; no homozygotes.

Submission:

Labcorp Genetics (formerly Invitae), Labcorp
Classification: Uncertain significance. Last evaluated: 2023-10-11. Review status: criteria provided, single submitter. Criteria: Invitae Variant Classification Sherloc (09022015). Collection method: clinical testing. Allele origin: germline.
Comment: This sequence change replaces threonine, which is neutral and polar, with isoleucine, which is neutral and non-polar, at codon 955 of the MCM3AP protein (p.Thr955Ile). This variant is not present in population databases (gnomAD no frequency). This variant has not been reported in the literature in individuals affected with MCM3AP-related conditions. An algorithm developed to predict the effect of missense changes on protein structure and function (PolyPhen-2) suggests that this variant is likely to be tolerated. In summary, the available evidence is currently insufficient to determine the role of this variant in disease. Therefore, it has been classified as a Variant of Uncertain Significance.

NM_003906.5(MCM3AP):c.2864C>T (p.Thr955Ile)

Gene: MCM3AP (minichromosome maintenance complex component 3 associated protein; minus strand). Cytogenetic location: 21q22.3.
Variant type: single nucleotide variant.
Coding change: c.2864C>T on transcript NM_003906.5 (MANE Select); coding-DNA position 2864, C replaced by T.
Protein change: p.Thr955Ile; replaces threonine 955 with isoleucine.
Molecular consequence: missense variant.
Genome position (GRCh38, 1-based): chr21:46,266,092, G>A on the plus strand (C>T on the coding strand, the complement: MCM3AP is on the minus strand). VCF-style: chr21-46266092-G-A. GRCh37 (hg19) VCF-style: chr21-47686006-G-A.
Other names: short protein forms T955I.
Identifiers: ClinVar variation 2987126 (VCV002987126.3), dbSNP rs752697472, ClinGen allele CA410561878.